The following is an entry in ClinVar:

NM_016507.4(CDK12):c.644G>A (p.Ser215Asn)

Genes: CDK12 (cyclin dependent kinase 12; plus strand), LOC126862553 (CDK7 strongly-dependent group 2 enhancer GRCh37_chr17:37618166-37619365; plus strand). Cytogenetic location: 17q12.
Variant type: single nucleotide variant.
Coding change: c.644G>A on transcript NM_016507.4 (MANE Select); coding-DNA position 644, G replaced by A.
Protein change: p.Ser215Asn; replaces serine 215 with asparagine.
Molecular consequence: missense variant.
Genome position (GRCh38, 1-based): chr17:39,462,715, G>A. VCF-style: chr17-39462715-G-A. GRCh37 (hg19) VCF-style: chr17-37618968-G-A.
Other names: c.644G>A, p.Ser215Asn (NM_015083.4); short protein forms S215N.
Identifiers: ClinVar variation 5034131 (VCV005034131.1).

ClinVar aggregate classification (germline): Uncertain significance (1 of 4 stars; one submission).

Submission:

Ambry Genetics
Classification: Uncertain significance. Last evaluated: 2026-08-03. Review status: criteria provided, single submitter. Criteria: Ambry Variant Classification Scheme 2023. Collection method: clinical testing. Allele origin: germline.
Comment: The p.S215N variant (also known as c.644G>A), located in coding exon 1 of the CDK12 gene, results from a G to A substitution at nucleotide position 644. The serine at codon 215 is replaced by asparagine, an amino acid with highly similar properties. This amino acid position is conserved. In addition, this alteration is predicted to be tolerated by in silico analysis. Based on the available evidence, the clinical significance of this variant remains unclear.